The following is an entry in ClinVar:

NM_025137.4(SPG11):c.5135T>G (p.Met1712Arg)

Gene: SPG11 (SPG11 vesicle trafficking associated, spatacsin; minus strand). Cytogenetic location: 15q21.1.
Variant type: single nucleotide variant.
Coding change: c.5135T>G on transcript NM_025137.4 (MANE Select); coding-DNA position 5135, T replaced by G.
Protein change: p.Met1712Arg; replaces methionine 1712 with arginine.
Molecular consequence: missense variant.
Genome position (GRCh38, 1-based): chr15:44,584,545, A>C on the plus strand (T>G on the coding strand, the complement: SPG11 is on the minus strand). VCF-style: chr15-44584545-A-C. GRCh37 (hg19) VCF-style: chr15-44876743-A-C.
Other names: c.5135T>G, p.Met1712Arg (NM_001160227.2); short protein forms M1712R.
Identifiers: ClinVar variation 466536 (VCV000466536.13), dbSNP rs1555448989, ClinGen allele CA392223223.

ClinVar aggregate classification (germline): Uncertain significance. Review status: criteria provided, multiple submitters, no conflicts (2 of 4 stars). 6 submissions from 4 submitters: Uncertain significance (6). Last evaluated 2026-01-27.

Conditions:
Charcot-Marie-Tooth disease axonal type 2X. Also called: CHARCOT-MARIE-TOOTH DISEASE, AXONAL, AUTOSOMAL RECESSIVE, TYPE 2X; CHARCOT-MARIE-TOOTH NEUROPATHY, TYPE 2X. Identifiers: Orphanet 466775, MedGen C5569024, MONDO:0014726, OMIM 616668.
Amyotrophic lateral sclerosis type 5 (ALS5). Also called: AMYOTROPHIC LATERAL SCLEROSIS 5, JUVENILE. Identifiers: Orphanet 300605, MedGen C1865864, MONDO:0011196, OMIM 602099.
Hereditary spastic paraplegia 11. Also called: SPASTIC PARAPLEGIA, AUTOSOMAL RECESSIVE, COMPLICATED, WITH THIN CORPUS CALLOSUM; SPASTIC PARAPLEGIA, AUTOSOMAL RECESSIVE, WITH MENTAL IMPAIRMENT AND THIN CORPUS CALLOSUM; Nakamura Osame syndrome; Autosomal recessive hereditary spastic paraplegia, mental impairment, and thin corpus callosum; Spastic paraplegia, mental retardation and thin corpus callosum; Spastic Paraplegia 11. Identifiers: Orphanet 2822, MedGen C1858479, MONDO:0011445, OMIM 604360.
Inborn genetic diseases. Identifiers: MedGen C0950123, MeSH D030342.

Allele frequency attached by ClinVar (database versions not stated): TOPMed below 0.00001.

Submissions (6):

Labcorp Genetics (formerly Invitae), Labcorp
Classification: Uncertain significance for Hereditary spastic paraplegia 11. Last evaluated: 2026-01-27. Review status: criteria provided, single submitter. Criteria: Invitae Variant Classification Sherloc (09022015). Collection method: clinical testing. Allele origin: germline.
Comment: This sequence change replaces methionine, which is neutral and non-polar, with arginine, which is basic and polar, at codon 1712 of the SPG11 protein (p.Met1712Arg). This variant is not present in population databases (gnomAD no frequency). This missense change has been observed in individual(s) with autosomal recessive hereditary spastic paraplegia (internal data). In at least one individual the data is consistent with being in trans (on the opposite chromosome) from a pathogenic variant. ClinVar contains an entry for this variant (Variation ID: 466536). Invitae Evidence Modeling of protein sequence and biophysical properties (such as structural, functional, and spatial information, amino acid conservation, physicochemical variation, residue mobility, and thermodynamic stability) indicates that this missense variant is not expected to disrupt SPG11 protein function with a negative predictive value of 80%. In summary, the available evidence is currently insufficient to determine the role of this variant in disease. Therefore, it has been classified as a Variant of Uncertain Significance.

GeneDx
Classification: Uncertain significance. Last evaluated: 2025-03-19. Review status: criteria provided, single submitter. Criteria: GeneDx Variant Classification Process June 2021. Collection method: clinical testing. Allele origin: germline. Affected: yes.
Comment: Not observed at significant frequency in large population cohorts (gnomAD); In silico analysis is inconclusive as to whether the variant alters gene splicing. In the absence of RNA/functional studies, the actual effect of this sequence change is unknown.; In silico analysis indicates that this missense variant does not alter protein structure/function; Has not been previously published as pathogenic or benign to our knowledge

Ambry Genetics
Classification: Uncertain significance for Inborn genetic diseases. Last evaluated: 2023-10-05. Review status: criteria provided, single submitter. Criteria: Ambry Variant Classification Scheme 2023. Collection method: clinical testing. Allele origin: germline.

Genome-Nilou Lab
Classification: Uncertain significance for Amyotrophic lateral sclerosis type 5. Review status: criteria provided, single submitter. Criteria: ACMG Guidelines, 2015. Collection method: clinical testing. Allele origin: germline.

Genome-Nilou Lab
Classification: Uncertain significance for Charcot-Marie-Tooth disease axonal type 2X. Review status: criteria provided, single submitter. Criteria: ACMG Guidelines, 2015. Collection method: clinical testing. Allele origin: germline.

Genome-Nilou Lab
Classification: Uncertain significance for Hereditary spastic paraplegia 11. Review status: criteria provided, single submitter. Criteria: ACMG Guidelines, 2015. Collection method: clinical testing. Allele origin: germline.